The following is an entry in ClinVar:

ClinVar aggregate classification (germline): Uncertain significance (0 of 4 stars; one submission).

Conditions:
RNF213-related disorder. Also called: RNF213-related condition.

Submission:

PreventionGenetics, part of Exact Sciences
Classification: Uncertain significance for RNF213-related condition. Last evaluated: 2024-07-16. Review status: no assertion criteria provided. Collection method: clinical testing. Allele origin: germline.
Comment: The RNF213 c.8639G>A variant is predicted to result in the amino acid substitution p.Gly2880Asp. To our knowledge, this variant has not been reported in the literature or in a large population database, indicating this variant is rare. At this time, the clinical significance of this variant is uncertain due to the absence of conclusive functional and genetic evidence.

NM_001256071.3(RNF213):c.8639G>A (p.Gly2880Asp)

Gene: RNF213 (ring finger protein 213; plus strand). Cytogenetic location: 17q25.3.
Variant type: single nucleotide variant.
Coding change: c.8639G>A on transcript NM_001256071.3 (MANE Select); coding-DNA position 8639, G replaced by A.
Protein change: p.Gly2880Asp; replaces glycine 2880 with aspartic acid.
Molecular consequence: missense variant.
Genome position (GRCh38, 1-based): chr17:80,346,974, G>A. VCF-style: chr17-80346974-G-A. GRCh37 (hg19) VCF-style: chr17-78320774-G-A.
Other names: c.8786G>A, p.Gly2929Asp (NM_001410195.1, NM_020914.5); short protein forms G2880D, G2929D.
Identifiers: ClinVar variation 3346696 (VCV003346696.1).